The following is an entry in ClinVar:

NM_022460.4(HS1BP3):c.1110C>T (p.Asp370=)

Gene: HS1BP3 (HCLS1 binding protein 3; minus strand). Cytogenetic location: 2p24.1.
Variant type: single nucleotide variant.
Coding change: c.1110C>T on transcript NM_022460.4 (MANE Select); coding-DNA position 1110, C replaced by T.
Protein change: p.Asp370=; no amino-acid change (aspartic acid 370 retained).
Molecular consequence: synonymous variant.
Genome position (GRCh38, 1-based): chr2:20,619,056, G>A on the plus strand (C>T on the coding strand, the complement: HS1BP3 is on the minus strand). VCF-style: chr2-20619056-G-A. GRCh37 (hg19) VCF-style: chr2-20818816-G-A.
Identifiers: ClinVar variation 2650702 (VCV002650702.24), dbSNP rs111886213, ClinGen allele CA1545572.

ClinVar aggregate classification (germline): Benign (1 of 4 stars; one submission).

Allele frequency attached by ClinVar (database versions not stated): 1000 Genomes Project 0.00300; 1000 Genomes Project 30x 0.00328; ExAC 0.00736; gnomAD 0.00739; TOPMed 0.00777; ESP Exome Variant Server 0.00907; gnomAD exomes 0.01048.
gnomAD v4.1: 16,473 of 1,614,154 alleles (1%); highest among the groups gnomAD compares: Non-Finnish European, 1.1%; 120 homozygotes.

Submission:

CeGaT Center for Human Genetics Tuebingen
Classification: Benign. Last evaluated: 2026-06-01. Review status: criteria provided, single submitter. Criteria: CeGaT Center For Human Genetics Tuebingen Variant Classification Criteria Version 2. Collection method: clinical testing. Allele origin: germline. Affected: yes. Observed: 21 variant alleles.
Comment: HS1BP3: BP4, BP7, BS1, BS2